The following is an entry in ClinVar:

NM_005359.6(SMAD4):c.507G>A (p.Gln169=)

Gene: SMAD4 (SMAD family member 4; plus strand). Cytogenetic location: 18q21.2.
Variant type: single nucleotide variant.
Coding change: c.507G>A on transcript NM_005359.6 (MANE Select); coding-DNA position 507, G replaced by A.
Protein change: p.Gln169=; no amino-acid change (glutamine 169 retained).
Molecular consequence: synonymous variant.
Genome position (GRCh38, 1-based): chr18:51,054,833, G>A. VCF-style: chr18-51054833-G-A. GRCh37 (hg19) VCF-style: chr18-48581203-G-A.
Identifiers: ClinVar variation 231885 (VCV000231885.16), dbSNP rs876659426, ClinGen allele CA10580977.

ClinVar aggregate classification (germline): Benign/Likely benign. Review status: criteria provided, multiple submitters, no conflicts (2 of 4 stars). 5 submissions from 5 submitters: Benign (1); Likely benign (4). Last evaluated 2025-09-13.

Conditions:
Hereditary cancer-predisposing syndrome. Also called: Tumor predisposition; Neoplastic Syndromes, Hereditary; Hereditary neoplastic syndrome; Hereditary Cancer Syndrome. Identifiers: Orphanet 140162, MedGen C0027672, MeSH D009386, MONDO:0015356.
Familial thoracic aortic aneurysm and aortic dissection (TAAD). Also called: Thoracic aortic aneurysms and dissections. Identifiers: Orphanet 91387, MedGen C4707243, MONDO:0019625.
Juvenile polyposis syndrome (JPS). Identifiers: Orphanet 2929, MedGen C0345893, MONDO:0017380, OMIM 174900.
Juvenile polyposis/hereditary hemorrhagic telangiectasia syndrome (JPHT). Also called: Juvenile Polyposis Syndrome / Hereditary Hemorrhagic Telangiectasia (JPS/HHT); JP/HHT SYNDROME; JUVENILE POLYPOSIS WITH HEREDITARY HEMORRHAGIC TELANGIECTASIA; POLYPOSIS, GENERALIZED JUVENILE, WITH PULMONARY ARTERIOVENOUS MALFORMATION; TELANGIECTASIA, HEREDITARY HEMORRHAGIC, WITH JUVENILE POLYPOSIS COLI. Identifiers: Orphanet 2929, MedGen C1832942, MONDO:0008278, OMIM 175050.

Allele frequency attached by ClinVar (database versions not stated): gnomAD exomes below 0.00001.
gnomAD v4.1: 1 of 1,613,684 alleles (0.000062%); highest among the groups gnomAD compares: African/African-American, 0.0013%; no homozygotes.

Submissions (5):

Labcorp Genetics (formerly Invitae), Labcorp
Classification: Likely benign for Juvenile polyposis syndrome. Last evaluated: 2025-09-13. Review status: criteria provided, single submitter. Criteria: Invitae Variant Classification Sherloc (09022015). Collection method: clinical testing. Allele origin: germline.

Myriad Genetics, Inc.
Classification: Benign for Juvenile polyposis/hereditary hemorrhagic telangiectasia syndrome. Last evaluated: 2025-03-19. Review status: criteria provided, single submitter. Criteria: Myriad Autosomal Dominant, Autosomal Recessive and X-Linked Classification Criteria (2023). Collection method: clinical testing. Allele origin: unknown.
Comment: This variant is considered benign. This variant is a silent/synonymous amino acid change and it is not expected to impact splicing.

All of Us Research Program, National Institutes of Health
Classification: Likely benign for Juvenile polyposis/hereditary hemorrhagic telangiectasia syndrome. Last evaluated: 2024-07-10. Review status: criteria provided, single submitter. Criteria: ACMG Guidelines, 2015. Collection method: clinical testing. Allele origin: germline. Inheritance: Autosomal dominant inheritance. Observed: 1 variant allele, 1 heterozygote.
Comment: This study involves interpretation of variants in research participants for the purpose of population health screening. Participant phenotype was not available at the time of variant classification. Additional details can be found in publication PMID: 35346344, PMCID: PMC8962531

Color Diagnostics, LLC DBA Color Health
Classification: Likely benign for Hereditary cancer-predisposing syndrome. Last evaluated: 2024-06-13. Review status: criteria provided, single submitter. Criteria: ACMG Guidelines, 2015. Collection method: clinical testing. Allele origin: germline.

Ambry Genetics
Classification: Likely benign for Hereditary cancer-predisposing syndrome; Familial thoracic aortic aneurysm and aortic dissection. Last evaluated: 2015-05-20. Review status: criteria provided, single submitter. Criteria: Ambry Variant Classification Scheme 2023. Collection method: clinical testing. Allele origin: germline.